The following is an entry in ClinVar:

ClinVar aggregate classification (germline): Likely benign (1 of 4 stars; one submission).

Submission:

CeGaT Center for Human Genetics Tuebingen
Classification: Likely benign. Last evaluated: 2024-10-01. Review status: criteria provided, single submitter. Criteria: CeGaT Center For Human Genetics Tuebingen Variant Classification Criteria Version 2. Collection method: clinical testing. Allele origin: germline. Affected: yes. Observed: 1 variant allele.
Comment: NFKBIE: BS1

NC_000006.12:g.44265598dup

Gene: NFKBIE (NFKB inhibitor epsilon; minus strand). Cytogenetic location: 6p21.1.
Variant type: Duplication.
Genome position: GRCh38 VCF-style: chr6-44265594-G-GC. GRCh37 (hg19) VCF-style: chr6-44233331-G-GC.
Identifiers: ClinVar variation 3388385 (VCV003388385.14).